The following is an entry in ClinVar:

ClinVar aggregate classification (germline): Likely benign. Review status: criteria provided, multiple submitters, no conflicts (2 of 4 stars). 2 submissions from 2 submitters: Likely benign (2). Last evaluated 2017-09-17.

Allele frequency attached by ClinVar (database versions not stated): TOPMed below 0.00001.

Submissions (2):

Labcorp Genetics (formerly Invitae), Labcorp
Classification: Likely benign. Last evaluated: 2017-09-17. Review status: criteria provided, single submitter. Criteria: Invitae Variant Classification Sherloc (09022015). Collection method: clinical testing. Allele origin: germline.

GeneDx
Classification: Likely benign. Last evaluated: 2017-01-09. Review status: criteria provided, single submitter. Criteria: GeneDx Variant Classification (06012015). Collection method: clinical testing. Allele origin: germline. Affected: yes.
Comment: This variant is considered likely benign or benign based on one or more of the following criteria: it is a conservative change, it occurs at a poorly conserved position in the protein, it is predicted to be benign by multiple in silico algorithms, and/or has population frequency not consistent with disease.

NM_001105206.3(LAMA4):c.2331A>C (p.Ala777=)

Gene: LAMA4 (laminin subunit alpha 4; minus strand). Cytogenetic location: 6q21.
Variant type: single nucleotide variant.
Coding change: c.2331A>C on transcript NM_001105206.3 (MANE Select); coding-DNA position 2331, A replaced by C.
Protein change: p.Ala777=; no amino-acid change (alanine 777 retained).
Molecular consequence: synonymous variant.
Genome position (GRCh38, 1-based): chr6:112,148,179, T>G on the plus strand (A>C on the coding strand, the complement: LAMA4 is on the minus strand). VCF-style: chr6-112148179-T-G. GRCh37 (hg19) VCF-style: chr6-112469381-T-G.
Other names: c.2310A>C (LRG_433t2); c.2310A>C, p.Ala770= (NM_001105207.3, NM_002290.5).
Identifiers: ClinVar variation 392513 (VCV000392513.4), dbSNP rs1057524524, ClinGen allele CA16605438.